The following is an entry in ClinVar:

NM_022437.3(ABCG8):c.1691A>G (p.Asn564Ser)

Gene: ABCG8 (ATP binding cassette subfamily G member 8; plus strand). Cytogenetic location: 2p21.
Variant type: single nucleotide variant.
Coding change: c.1691A>G on transcript NM_022437.3 (MANE Select); coding-DNA position 1691, A replaced by G.
Protein change: p.Asn564Ser; replaces asparagine 564 with serine.
Molecular consequence: missense variant.
Genome position (GRCh38, 1-based): chr2:43,875,348, A>G. VCF-style: chr2-43875348-A-G. GRCh37 (hg19) VCF-style: chr2-44102487-A-G.
Other names: c.1688A>G, p.Asn563Ser (NM_001357321.2); short protein forms N563S, N564S.
Identifiers: ClinVar variation 646423 (VCV000646423.10), dbSNP rs749742502, ClinGen allele CA1637591.
Genomic context (GRCh38, chr2:43,875,348, plus strand): 5'-TTATGGCCCTGGCCGCCGCGGCCCTGCTCCCCACCTTCCACATGGCCTCCTTCTTCAGCA[A>G]TGCCCTCTACAACTCCTTCTACCTCGCCGGGGGCTTCATGATAAACTTGAGCAGCCTGTG-3'
Protein context (NP_071882.1, residues 554-574): PTFHMASFFS[Asn564Ser]ALYNSFYLAG

ClinVar aggregate classification (germline): Uncertain significance. Review status: criteria provided, multiple submitters, no conflicts (2 of 4 stars). 2 submissions from 2 submitters: Uncertain significance (2). Last evaluated 2024-06-06.

Conditions:
Cardiovascular phenotype. Identifiers: MedGen CN230736.

Allele frequency attached by ClinVar (database versions not stated): gnomAD 0.00001; TOPMed 0.00001; 1000 Genomes Project 30x 0.00016.

Submissions (2):

Labcorp Genetics (formerly Invitae), Labcorp
Classification: Uncertain significance. Last evaluated: 2024-06-06. Review status: criteria provided, single submitter. Criteria: Invitae Variant Classification Sherloc (09022015). Collection method: clinical testing. Allele origin: germline.
Comment: This sequence change replaces asparagine, which is neutral and polar, with serine, which is neutral and polar, at codon 564 of the ABCG8 protein (p.Asn564Ser). This variant is present in population databases (rs749742502, gnomAD 0.002%). This variant has not been reported in the literature in individuals affected with ABCG8-related conditions. ClinVar contains an entry for this variant (Variation ID: 646423). Advanced modeling of protein sequence and biophysical properties (such as structural, functional, and spatial information, amino acid conservation, physicochemical variation, residue mobility, and thermodynamic stability) performed at Invitae indicates that this missense variant is not expected to disrupt ABCG8 protein function with a negative predictive value of 80%. In summary, the available evidence is currently insufficient to determine the role of this variant in disease. Therefore, it has been classified as a Variant of Uncertain Significance.

Ambry Genetics
Classification: Uncertain significance for Cardiovascular phenotype. Last evaluated: 2023-03-08. Review status: criteria provided, single submitter. Criteria: Ambry Variant Classification Scheme 2023. Collection method: clinical testing. Allele origin: germline.
Comment: The p.N564S variant (also known as c.1691A>G), located in coding exon 11 of the ABCG8 gene, results from an A to G substitution at nucleotide position 1691. The asparagine at codon 564 is replaced by serine, an amino acid with highly similar properties. This amino acid position is conserved. In addition, this alteration is predicted to be tolerated by in silico analysis. Since supporting evidence is limited at this time, the clinical significance of this alteration remains unclear.